The following is an entry in ClinVar:

NM_000283.4(PDE6B):c.1233C>T (p.Asp411=)

Gene: PDE6B (phosphodiesterase 6B; plus strand). Cytogenetic location: 4p16.3.
Variant type: single nucleotide variant.
Coding change: c.1233C>T on transcript NM_000283.4 (MANE Select); coding-DNA position 1233, C replaced by T.
Protein change: p.Asp411=; no amino-acid change (aspartic acid 411 retained).
Molecular consequence: synonymous variant.
Genome position (GRCh38, 1-based): chr4:656,999, C>T. VCF-style: chr4-656999-C-T. GRCh37 (hg19) VCF-style: chr4-650788-C-T.
Other names: c.1233C>T, p.Asp411= (NM_001145291.2); c.396C>T, p.Asp132= (NM_001145292.2, NM_001350154.3, NM_001379246.1 and 1 more transcripts); c.78C>T, p.Asp26= (NM_001350155.3).
Identifiers: ClinVar variation 750478 (VCV000750478.8), dbSNP rs761301106, ClinGen allele CA2794394.

ClinVar aggregate classification (germline): Likely benign. Review status: criteria provided, multiple submitters, no conflicts (2 of 4 stars). 2 submissions from 2 submitters: Likely benign (2). Last evaluated 2025-03-19.

Conditions:
PDE6B-related disorder. Also called: PDE6B-related disease; PDE6B-related condition; PDE6B-related disorders.

Allele frequency attached by ClinVar (database versions not stated): gnomAD below 0.00001 and 0.00001; ExAC 0.00001; gnomAD exomes 0.00001.
gnomAD v4.1: 13 of 1,613,264 alleles (0.00081%); highest among the groups gnomAD compares: Admixed American, 0.0033%; no homozygotes.

Submissions (2):

PreventionGenetics, part of Exact Sciences
Classification: Likely benign for PDE6B-related condition. Last evaluated: 2025-03-19. Review status: criteria provided, single submitter. Criteria: ACMG Guidelines, 2015. Collection method: clinical testing. Allele origin: germline.
Comment: This variant is classified as likely benign based on ACMG/AMP sequence variant interpretation guidelines (Richards et al. 2015 PMID: 25741868, with internal and published modifications).

Labcorp Genetics (formerly Invitae), Labcorp
Classification: Likely benign. Last evaluated: 2022-09-22. Review status: criteria provided, single submitter. Criteria: Invitae Variant Classification Sherloc (09022015). Collection method: clinical testing. Allele origin: germline.